The following is an entry in ClinVar:

ClinVar aggregate classification (germline): Uncertain significance (1 of 4 stars; one submission).

Conditions:
Alpha thalassemia-X-linked intellectual disability syndrome (ATRX). Also called: ALPHA-THALASSEMIA/MENTAL RETARDATION SYNDROME, X-LINKED; ATR, NONDELETION TYPE; ATR-X syndrome; Alpha thalassemia mental retardation syndrome, nondeletion type, X-linked; XLMR hypotonic face syndrome; X-linked alpha-thalassemia-mental retardation syndrome. Identifiers: Orphanet 847, MedGen C1845055, MONDO:0010519, OMIM 301040.

Submission:

Labcorp Genetics (formerly Invitae), Labcorp
Classification: Uncertain significance for Alpha thalassemia-X-linked intellectual disability syndrome. Last evaluated: 2025-08-31. Review status: criteria provided, single submitter. Criteria: Invitae Variant Classification Sherloc (09022015). Collection method: clinical testing. Allele origin: germline.
Comment: This sequence change replaces aspartic acid, which is acidic and polar, with glycine, which is neutral and non-polar, at codon 1062 of the ATRX protein (p.Asp1062Gly). This variant is not present in population databases (gnomAD no frequency). This variant has not been reported in the literature in individuals affected with ATRX-related conditions. Invitae Evidence Modeling of protein sequence and biophysical properties (such as structural, functional, and spatial information, amino acid conservation, physicochemical variation, residue mobility, and thermodynamic stability) indicates that this missense variant is not expected to disrupt ATRX protein function with a negative predictive value of 95%. In summary, the available evidence is currently insufficient to determine the role of this variant in disease. Therefore, it has been classified as a Variant of Uncertain Significance.

NM_000489.6(ATRX):c.3185A>G (p.Asp1062Gly)

Gene: ATRX (ATRX chromatin remodeler; minus strand). Cytogenetic location: Xq21.1.
Variant type: single nucleotide variant.
Coding change: c.3185A>G on transcript NM_000489.6 (MANE Select); coding-DNA position 3185, A replaced by G.
Protein change: p.Asp1062Gly; replaces aspartic acid 1062 with glycine.
Molecular consequence: missense variant.
Genome position (GRCh38, 1-based): chrX:77,682,071, T>C on the plus strand (A>G on the coding strand, the complement: ATRX is on the minus strand). VCF-style: chrX-77682071-T-C. GRCh37 (hg19) VCF-style: chrX-76937563-T-C.
Other names: c.3071A>G, p.Asp1024Gly (NM_138270.5); short protein forms D1024G, D1062G.
Identifiers: ClinVar variation 4775166 (VCV004775166.1).